The following is an entry in ClinVar:

NM_002160.4(TNC):c.5029A>T (p.Ile1677Leu)

Gene: TNC (tenascin C; minus strand). Cytogenetic location: 9q33.1.
Variant type: single nucleotide variant.
Coding change: c.5029A>T on transcript NM_002160.4 (MANE Select); coding-DNA position 5029, A replaced by T.
Protein change: p.Ile1677Leu; replaces isoleucine 1677 with leucine.
Molecular consequence: missense variant.
Genome position (GRCh38, 1-based): chr9:115,046,506, T>A on the plus strand (A>T on the coding strand, the complement: TNC is on the minus strand). VCF-style: chr9-115046506-T-A. GRCh37 (hg19) VCF-style: chr9-117808785-T-A.
Other names: p.Ile1677Leu; short protein forms I1677L.
Identifiers: ClinVar variation 1238979 (VCV001238979.8), dbSNP rs2104772, ClinGen allele CA5207770.
Genomic context (GRCh38, chr9:115,046,506, plus strand): 5'-TTCCTTTGCTTATTCCATAGAGTTCAATTTCGTATTCAGTAGCCTCTCTGAGACCTGTTA[T>A]GTCCCTGGTACGTTCGGGGGCAAGTAGGGTTATTTCCAGTGGCTCAGACTGCTTTTTGGT-3'
Protein context (NP_002151.2, residues 1667-1687): TLLAPERTRD[Ile1677Leu]TGLREATEYE

ClinVar aggregate classification (germline): Benign. Review status: criteria provided, multiple submitters, no conflicts (2 of 4 stars). 4 submissions from 4 submitters: Benign (4). Last evaluated 2021-09-10.

Conditions:
Autosomal dominant nonsyndromic hearing loss 56. Also called: Deafness, autosomal dominant 56. Identifiers: Orphanet 90635, MedGen C3810170, MONDO:0014283, OMIM 615629.

Allele frequency attached by ClinVar (database versions not stated): gnomAD exomes 0.43715; gnomAD 0.47106 and 0.47499; ESP Exome Variant Server 0.47570; 1000 Genomes Project 0.48103; TOPMed 0.47365; 1000 Genomes Project 30x 0.48095; ExAC 0.43852.
gnomAD v4.1: 700,046 of 1,613,834 alleles (43%); highest among the groups gnomAD compares: African/African-American, 56%; 153,510 homozygotes.

Submissions (4):

Genome-Nilou Lab
Classification: Benign for Autosomal dominant nonsyndromic hearing loss 56. Last evaluated: 2021-09-10. Review status: criteria provided, single submitter. Criteria: ACMG Guidelines, 2015. Collection method: clinical testing. Allele origin: germline. Affected: no.

Mayo Clinic Laboratories, Mayo Clinic
Classification: Benign. Last evaluated: 2020-07-02. Review status: criteria provided, single submitter. Criteria: ACMG Guidelines, 2015. Collection method: clinical testing. Allele origin: germline. Observed: 103 variant alleles.

GeneDx
Classification: Benign. Last evaluated: 2018-12-10. Review status: criteria provided, single submitter. Criteria: GeneDx Variant Classification Process June 2021. Collection method: clinical testing. Allele origin: germline. Affected: yes.
Comment: This variant is associated with the following publications: (PMID: 16115819)

Breakthrough Genomics
Classification: Benign. Review status: criteria provided, single submitter. Criteria: ACMG Guidelines, 2015. Collection method: not provided. Allele origin: germline. Inheritance: Autosomal dominant inheritance. Affected: yes.